The following is an entry in ClinVar:

NM_000064.4(C3):c.3119A>C (p.Glu1040Ala)

Gene: C3 (complement C3; minus strand). Cytogenetic location: 19p13.3.
Variant type: single nucleotide variant.
Coding change: c.3119A>C on transcript NM_000064.4 (MANE Select); coding-DNA position 3119, A replaced by C.
Protein change: p.Glu1040Ala; replaces glutamic acid 1040 with alanine.
Molecular consequence: missense variant.
Genome position (GRCh38, 1-based): chr19:6,694,466, T>G on the plus strand (A>C on the coding strand, the complement: C3 is on the minus strand). VCF-style: chr19-6694466-T-G. GRCh37 (hg19) VCF-style: chr19-6694477-T-G.
Other names: short protein forms E1040A.
Identifiers: ClinVar variation 4280187 (VCV004280187.1).

ClinVar aggregate classification (germline): Uncertain significance (1 of 4 stars; one submission).

Conditions:
Complement component 3 deficiency. Identifiers: Orphanet 280133, MedGen C3151071, MONDO:0013417, OMIM 613779.
C3 glomerulonephritis. Also called: Nephropathy due to CFHR5 Deficiency; C3 GLOMERULOPATHY 3. Identifiers: Orphanet 329931, MedGen C4055342, MONDO:0013892, OMIM 614809.
Atypical hemolytic-uremic syndrome. Identifiers: Orphanet 2134, MedGen C2931788, MONDO:0016244.

Submission:

Genomenon, Inc
Classification: Uncertain significance for Complement component 3 deficiency; C3 glomerulonephritis; Atypical hemolytic-uremic syndrome. Last evaluated: 2025-09-30. Review status: criteria provided, single submitter. Criteria: Genomenon Sequence Variant Interpretation Standards. Collection method: curation. Allele origin: germline. Affected: no.
Comment: C3 p.Glu1040Ala (c.3119A>C) is a missense variant that changes the amino acid at residue 1040 from Glutamic acid to Alanine. This variant has been reported in the published literature (PMID:28254726). It is absent or not present at a significant frequency in gnomAD. In silico models agree that this variant is not damaging. In conclusion, we classify C3 p.Glu1040Ala (c.3119A>C) as a variant of unknown significance.

Literature cited by the submitters: PubMed 28254726.